The following is an entry in ClinVar:

NM_001273.5(CHD4):c.4789G>C (p.Ala1597Pro)

Genes: CHD4 (chromodomain helicase DNA binding protein 4; minus strand), CHD4-AS1 (CHD4 antisense RNA 1; plus strand). Cytogenetic location: 12p13.31.
Variant type: single nucleotide variant.
Coding change: c.4789G>C on transcript NM_001273.5 (MANE Select); coding-DNA position 4789, G replaced by C.
Protein change: p.Ala1597Pro; replaces alanine 1597 with proline.
Molecular consequence: missense variant.
Genome position (GRCh38, 1-based): chr12:6,581,164, C>G on the plus strand (G>C on the coding strand, the complement: CHD4 is on the minus strand). VCF-style: chr12-6581164-C-G. GRCh37 (hg19) VCF-style: chr12-6690330-C-G.
Other names: c.4768G>C, p.Ala1590Pro (NM_001297553.2); c.4750G>C, p.Ala1584Pro (NM_001363606.2); short protein forms A1590P, A1584P, A1597P.
Identifiers: ClinVar variation 4708333 (VCV004708333.1).

ClinVar aggregate classification (germline): Uncertain significance (1 of 4 stars; one submission).

gnomAD v4.1: 1 of 1,613,810 alleles (0.000062%); highest among the groups gnomAD compares: Admixed American, 0.0017%; no homozygotes.

Submission:

Labcorp Genetics (formerly Invitae), Labcorp
Classification: Uncertain significance. Last evaluated: 2025-08-10. Review status: criteria provided, single submitter. Criteria: Invitae Variant Classification Sherloc (09022015). Collection method: clinical testing. Allele origin: germline.
Comment: This sequence change replaces alanine, which is neutral and non-polar, with proline, which is neutral and non-polar, at codon 1597 of the CHD4 protein (p.Ala1597Pro). This variant is not present in population databases (gnomAD no frequency). This variant has not been reported in the literature in individuals affected with CHD4-related conditions. Invitae Evidence Modeling of protein sequence and biophysical properties (such as structural, functional, and spatial information, amino acid conservation, physicochemical variation, residue mobility, and thermodynamic stability) indicates that this missense variant is not expected to disrupt CHD4 protein function with a negative predictive value of 95%. In summary, the available evidence is currently insufficient to determine the role of this variant in disease. Therefore, it has been classified as a Variant of Uncertain Significance.